The following is an entry in ClinVar:

ClinVar aggregate classification (germline): Uncertain significance (1 of 4 stars; one submission).

Allele frequency attached by ClinVar (database versions not stated): gnomAD exomes below 0.00001; gnomAD 0.00003; TOPMed 0.00006.
gnomAD v4.1: 10 of 1,614,088 alleles (0.00062%); highest among the groups gnomAD compares: African/African-American, 0.013%; no homozygotes.

Submission:

GeneDx
Classification: Uncertain significance. Last evaluated: 2024-12-02. Review status: criteria provided, single submitter. Criteria: GeneDx Variant Classification Process June 2021. Collection method: clinical testing. Allele origin: germline. Affected: yes.
Comment: In silico analysis indicates that this missense variant does not alter protein structure/function; Has not been previously published as pathogenic or benign to our knowledge

NM_001384140.1(PCDH15):c.4051A>G (p.Ile1351Val)

Gene: PCDH15 (protocadherin related 15; minus strand). Cytogenetic location: 10q21.1.
Variant type: single nucleotide variant.
Coding change: c.4051A>G on transcript NM_001384140.1 (MANE Select); coding-DNA position 4051, A replaced by G.
Protein change: p.Ile1351Val; replaces isoleucine 1351 with valine.
Molecular consequence: missense variant.
Genome position (GRCh38, 1-based): chr10:53,831,466, T>C on the plus strand (A>G on the coding strand, the complement: PCDH15 is on the minus strand). VCF-style: chr10-53831466-T-C. GRCh37 (hg19) VCF-style: chr10-55591226-T-C.
Other names: c.4066A>G, p.Ile1356Val (NM_001142763.2, NM_001142771.2); c.4051A>G, p.Ile1351Val (NM_001142764.2, NM_001142766.2, NM_001142770.3 and 4 more transcripts); c.3838A>G, p.Ile1280Val (NM_001142765.2); c.3940A>G, p.Ile1314Val (NM_001142767.2); c.3985A>G, p.Ile1329Val (NM_001142768.2, NM_001142773.2, NM_001354404.2); c.4087A>G, p.Ile1363Val (NM_001142769.4); c.4072A>G, p.Ile1358Val (NM_001354411.2); short protein forms I1280V, I1314V, I1329V, I1351V, I1356V, I1358V, I1363V.
Identifiers: ClinVar variation 1878707 (VCV001878707.2), dbSNP rs1036253810, ClinGen allele CA207227391.